The following is an entry in ClinVar:

NM_000092.5(COL4A4):c.4612G>A (p.Asp1538Asn)

Gene: COL4A4 (collagen type IV alpha 4 chain; minus strand). Cytogenetic location: 2q36.3.
Variant type: single nucleotide variant.
Coding change: c.4612G>A on transcript NM_000092.5 (MANE Select); coding-DNA position 4612, G replaced by A.
Protein change: p.Asp1538Asn; replaces aspartic acid 1538 with asparagine.
Molecular consequence: missense variant.
Genome position (GRCh38, 1-based): chr2:227,008,215, C>T on the plus strand (G>A on the coding strand, the complement: COL4A4 is on the minus strand). VCF-style: chr2-227008215-C-T. GRCh37 (hg19) VCF-style: chr2-227872931-C-T.
Other names: c.4612G>A (NM_000092.4); short protein forms D1538N.
Identifiers: ClinVar variation 1398074 (VCV001398074.14), dbSNP rs376401228, ClinGen allele CA2144115.

ClinVar aggregate classification (germline): Uncertain significance. Review status: criteria provided, multiple submitters, no conflicts (2 of 4 stars). 5 submissions from 5 submitters: Uncertain significance (5). Last evaluated 2025-12-02.

Conditions:
Autosomal recessive Alport syndrome (ATS2). Also called: ALPORT SYNDROME 2, AUTOSOMAL RECESSIVE; Alport syndrome type 2; COL4A4 Alport Syndrome and Thin Basement Membrane Nephropathy; COL4A3-Related Nephropathy. Identifiers: Orphanet 63, Orphanet 88919, MedGen C4746745, MONDO:0008762, OMIM 203780.
Hematuria, benign familial, 1 (BFH1). Also called: THIN MEMBRANE NEPHROPATHY. Identifiers: MedGen CN376803, MONDO:0007709, OMIM 141200.
Inborn genetic diseases. Identifiers: MedGen C0950123, MeSH D030342.

Allele frequency attached by ClinVar (database versions not stated): TOPMed 0.00004; gnomAD 0.00005; ExAC 0.00002; gnomAD exomes 0.00001; ESP Exome Variant Server 0.00008.
gnomAD v4.1: 12 of 1,614,072 alleles (0.00074%); highest among the groups gnomAD compares: African/African-American, 0.012%; no homozygotes.

Submissions (5):

Ambry Genetics
Classification: Uncertain significance for Inborn genetic diseases. Last evaluated: 2025-12-02. Review status: criteria provided, single submitter. Criteria: Ambry Variant Classification Scheme 2023. Collection method: clinical testing. Allele origin: germline.

Labcorp Genetics (formerly Invitae), Labcorp
Classification: Uncertain significance. Last evaluated: 2025-03-24. Review status: criteria provided, single submitter. Criteria: Invitae Variant Classification Sherloc (09022015). Collection method: clinical testing. Allele origin: germline.
Comment: This sequence change replaces aspartic acid, which is acidic and polar, with asparagine, which is neutral and polar, at codon 1538 of the COL4A4 protein (p.Asp1538Asn). This variant is present in population databases (rs376401228, gnomAD 0.01%). This variant has not been reported in the literature in individuals affected with COL4A4-related conditions. ClinVar contains an entry for this variant (Variation ID: 1398074). Invitae Evidence Modeling of protein sequence and biophysical properties (such as structural, functional, and spatial information, amino acid conservation, physicochemical variation, residue mobility, and thermodynamic stability) indicates that this missense variant is not expected to disrupt COL4A4 protein function with a negative predictive value of 95%. In summary, the available evidence is currently insufficient to determine the role of this variant in disease. Therefore, it has been classified as a Variant of Uncertain Significance.

Molecular Genetics McLendon Clinical Laboratories, University of North Carolina at Chapel Hill
Classification: Uncertain significance for Autosomal recessive Alport syndrome. Last evaluated: 2024-03-06. Review status: criteria provided, single submitter. Criteria: ACMG Guidelines, 2015. Collection method: clinical testing. Allele origin: germline.

Fulgent Genetics
Classification: Uncertain significance for Hematuria, benign familial, 1; Autosomal recessive Alport syndrome. Last evaluated: 2024-01-24. Review status: criteria provided, single submitter. Criteria: ACMG Guidelines, 2015. Collection method: clinical testing. Allele origin: germline.

GeneDx
Classification: Uncertain significance. Last evaluated: 2023-03-17. Review status: criteria provided, single submitter. Criteria: GeneDx Variant Classification Process June 2021. Collection method: clinical testing. Allele origin: germline. Affected: yes.
Comment: In silico analysis supports that this missense variant has a deleterious effect on protein structure/function; Has not been previously published as pathogenic or benign to our knowledge